The following is an entry in ClinVar:

NM_016553.5(NUP62):c.901G>A (p.Gly301Arg)

Genes: NUP62 (nucleoporin 62; minus strand), IL4I1 (interleukin 4 induced 1; minus strand). Cytogenetic location: 19q13.33.
Variant type: single nucleotide variant.
Coding change: c.901G>A on transcript NM_016553.5 (MANE Select); coding-DNA position 901, G replaced by A.
Protein change: p.Gly301Arg; replaces glycine 301 with arginine.
Molecular consequence: missense variant. On other transcripts: intron variant (3).
Genome position (GRCh38, 1-based): chr19:49,908,907, C>T on the plus strand (G>A on the coding strand, the complement: NUP62 is on the minus strand). VCF-style: chr19-49908907-C-T. GRCh37 (hg19) VCF-style: chr19-50412164-C-T.
Other names: c.901G>A, p.Gly301Arg (NM_153718.4, NM_153719.4, NM_001193357.2 and 1 more transcripts); c.-227-4586G>A (NM_001258017.2, NM_172374.3); c.-285-4586G>A (NM_001258018.2); short protein forms G301R.
Identifiers: ClinVar variation 1919495 (VCV001919495.4), dbSNP rs769004235, ClinGen allele CA9588995.

ClinVar aggregate classification (germline): Uncertain significance (1 of 4 stars; one submission).

Allele frequency attached by ClinVar (database versions not stated): TOPMed 0.00001; gnomAD exomes 0.00002; ExAC 0.00003; gnomAD 0.00003.
gnomAD v4.1: 33 of 1,607,606 alleles (0.0021%); highest among the groups gnomAD compares: Middle Eastern, 0.017%; no homozygotes.

Submission:

Labcorp Genetics (formerly Invitae), Labcorp
Classification: Uncertain significance. Last evaluated: 2023-07-17. Review status: criteria provided, single submitter. Criteria: Invitae Variant Classification Sherloc (09022015). Collection method: clinical testing. Allele origin: germline.
Comment: An algorithm developed to predict the effect of missense changes on protein structure and function (PolyPhen-2) suggests that this variant is likely to be disruptive. In summary, the available evidence is currently insufficient to determine the role of this variant in disease. Therefore, it has been classified as a Variant of Uncertain Significance. ClinVar contains an entry for this variant (Variation ID: 1919495). This sequence change replaces glycine, which is neutral and non-polar, with arginine, which is basic and polar, at codon 301 of the NUP62 protein (p.Gly301Arg). This variant is present in population databases (rs769004235, gnomAD 0.005%). This variant has not been reported in the literature in individuals affected with NUP62-related conditions.